The following is an entry in ClinVar:

ClinVar aggregate classification (germline): Uncertain significance (1 of 4 stars; one submission).

Conditions:
Spondyloenchondrodysplasia with immune dysregulation (SPENCDI). Also called: COMBINED IMMUNODEFICIENCY WITH AUTOIMMUNITY AND SPONDYLOMETAPHYSEAL DYSPLASIA; SPONDYLOENCHONDRODYSPLASIA WITH OR WITHOUT IMMUNE DYSREGULATION; ROIFMAN IMMUNOSKELETAL SYNDROME. Identifiers: Orphanet 1855, MedGen C1842763, MONDO:0011939, OMIM 607944.

Submission:

Labcorp Genetics (formerly Invitae), Labcorp
Classification: Uncertain significance for Spondyloenchondrodysplasia with immune dysregulation. Last evaluated: 2019-11-21. Review status: criteria provided, single submitter. Criteria: Invitae Variant Classification Sherloc (09022015). Collection method: clinical testing. Allele origin: germline.
Comment: In summary, the available evidence is currently insufficient to determine the role of this variant in disease. Therefore, it has been classified as a Variant of Uncertain Significance. Algorithms developed to predict the effect of missense changes on protein structure and function are either unavailable or do not agree on the potential impact of this missense change (SIFT: "Deleterious"; PolyPhen-2: "Probably Damaging"; Align-GVGD: "Class C45"). This variant has not been reported in the literature in individuals with ACP5-related conditions. This variant is not present in population databases (ExAC no frequency). This sequence change replaces leucine with proline at codon 244 of the ACP5 protein (p.Leu244Pro). The leucine residue is highly conserved and there is a moderate physicochemical difference between leucine and proline.

NM_001611.5(ACP5):c.731T>C (p.Leu244Pro)

Gene: ACP5 (acid phosphatase 5, tartrate resistant; minus strand). Cytogenetic location: 19p13.2.
Variant type: single nucleotide variant.
Coding change: c.731T>C on transcript NM_001611.5 (MANE Select); coding-DNA position 731, T replaced by C.
Protein change: p.Leu244Pro; replaces leucine 244 with proline.
Molecular consequence: missense variant.
Genome position (GRCh38, 1-based): chr19:11,576,247, A>G on the plus strand (T>C on the coding strand, the complement: ACP5 is on the minus strand). VCF-style: chr19-11576247-A-G. GRCh37 (hg19) VCF-style: chr19-11687062-A-G.
Other names: c.731T>C, p.Leu244Pro (NM_001111034.3, NM_001111035.3, NM_001111036.3 and 1 more transcripts); short protein forms L244P.
Identifiers: ClinVar variation 842843 (VCV000842843.8), dbSNP rs1453335064, ClinGen allele CA404146037.